The following is an entry in ClinVar:

NM_032603.5(LOXL3):c.1982G>C (p.Gly661Ala)

Gene: LOXL3 (lysyl oxidase like 3; minus strand). Cytogenetic location: 2p13.1.
Variant type: single nucleotide variant.
Coding change: c.1982G>C on transcript NM_032603.5 (MANE Select); coding-DNA position 1982, G replaced by C.
Protein change: p.Gly661Ala; replaces glycine 661 with alanine.
Molecular consequence: missense variant.
Genome position (GRCh38, 1-based): chr2:74,534,194, C>G on the plus strand (G>C on the coding strand, the complement: LOXL3 is on the minus strand). VCF-style: chr2-74534194-C-G. GRCh37 (hg19) VCF-style: chr2-74761321-C-G.
Other names: c.1547G>C, p.Gly516Ala (NM_001289164.3); c.899G>C, p.Gly300Ala (NM_001289165.2); short protein forms G516A, G300A, G661A.
Identifiers: ClinVar variation 1495818 (VCV001495818.6), dbSNP rs2104388305, ClinGen allele CA347384451.

ClinVar aggregate classification (germline): Uncertain significance (1 of 4 stars; one submission).

gnomAD v4.1: 2 of 1,614,194 alleles (0.00012%); highest among the groups gnomAD compares: Non-Finnish European, 0.00017%; no homozygotes.

Submission:

Labcorp Genetics (formerly Invitae), Labcorp
Classification: Uncertain significance. Last evaluated: 2021-10-10. Review status: criteria provided, single submitter. Criteria: Invitae Variant Classification Sherloc (09022015). Collection method: clinical testing. Allele origin: germline.
Comment: Algorithms developed to predict the effect of missense changes on protein structure and function are either unavailable or do not agree on the potential impact of this missense change (SIFT: "Deleterious"; PolyPhen-2: "Probably Damaging"; Align-GVGD: "Class C0"). In summary, the available evidence is currently insufficient to determine the role of this variant in disease. Therefore, it has been classified as a Variant of Uncertain Significance. This variant has not been reported in the literature in individuals affected with LOXL3-related conditions. This sequence change replaces glycine with alanine at codon 661 of the LOXL3 protein (p.Gly661Ala). The glycine residue is highly conserved and there is a small physicochemical difference between glycine and alanine. This variant is not present in population databases (ExAC no frequency).